The following is an entry in ClinVar:

ClinVar aggregate classification (germline): Uncertain significance. Review status: criteria provided, multiple submitters, no conflicts (2 of 4 stars). 2 submissions from 2 submitters: Uncertain significance (2). Last evaluated 2025-04-09.

Conditions:
Cornelia de Lange syndrome 1 (CDLS1). Also called: TYPUS DEGENERATIVUS AMSTELODAMENSIS; NIPBL-Related Cornelia de Lange Syndrome; Brachmann de Lange syndrome. Identifiers: Orphanet 199, MedGen C4551851, MONDO:0007387, OMIM 122470.
Inborn genetic diseases. Identifiers: MedGen C0950123, MeSH D030342.

gnomAD v4.1: 1 of 1,612,826 alleles (0.000062%); highest among the groups gnomAD compares: Non-Finnish European, 0.000085%; no homozygotes.

Submissions (2):

Ambry Genetics
Classification: Uncertain significance for Inborn genetic diseases. Last evaluated: 2025-04-09. Review status: criteria provided, single submitter. Criteria: Ambry Variant Classification Scheme 2023. Collection method: clinical testing. Allele origin: germline.

Labcorp Genetics (formerly Invitae), Labcorp
Classification: Uncertain significance for Cornelia de Lange syndrome 1. Last evaluated: 2019-11-20. Review status: criteria provided, single submitter. Criteria: Invitae Variant Classification Sherloc (09022015). Collection method: clinical testing. Allele origin: germline.
Comment: Algorithms developed to predict the effect of missense changes on protein structure and function are either unavailable or do not agree on the potential impact of this missense change (SIFT: "Deleterious"; PolyPhen-2: "Possibly Damaging"; Align-GVGD: "Class C0"). This variant has not been reported in the literature in individuals with NIPBL-related conditions. This variant is not present in population databases (ExAC no frequency). This sequence change replaces arginine with leucine at codon 1619 of the NIPBL protein (p.Arg1619Leu). The arginine residue is moderately conserved and there is a moderate physicochemical difference between arginine and leucine. In summary, the available evidence is currently insufficient to determine the role of this variant in disease. Therefore, it has been classified as a Variant of Uncertain Significance.

NM_133433.4(NIPBL):c.4856G>T (p.Arg1619Leu)

Gene: NIPBL (NIPBL cohesin loading factor; plus strand). Cytogenetic location: 5p13.2.
Variant type: single nucleotide variant.
Coding change: c.4856G>T on transcript NM_133433.4 (MANE Select); coding-DNA position 4856, G replaced by T.
Protein change: p.Arg1619Leu; replaces arginine 1619 with leucine.
Molecular consequence: missense variant.
Genome position (GRCh38, 1-based): chr5:37,017,098, G>T. VCF-style: chr5-37017098-G-T. GRCh37 (hg19) VCF-style: chr5-37017200-G-T.
Other names: c.4856G>T, p.Arg1619Leu (NM_015384.5); short protein forms R1619L.
Identifiers: ClinVar variation 844388 (VCV000844388.10), dbSNP rs772077115, ClinGen allele CA359484385.
Genomic context (GRCh38, chr5:37,017,098, plus strand): 5'-AGTCAACAGAGATGGCTTTAAGAGTGGCATCTCTTGATTACCTTGGAACTGTTGCTGCAC[G>T]GCTAAGAAAAGATGCTGTTACAAGCAAAATGGATCAAGGATCTATAGAACGCATTTTAAA-3'
Protein context (NP_597677.2, residues 1609-1629): SLDYLGTVAA[Arg1619Leu]LRKDAVTSKM